The following is an entry in ClinVar:

NM_006493.4(CLN5):c.818C>T (p.Thr273Ile)

Gene: CLN5 (CLN5 lysosomal BMP synthase; plus strand). Cytogenetic location: 13q22.3.
Variant type: single nucleotide variant.
Coding change: c.818C>T on transcript NM_006493.4 (MANE Select); coding-DNA position 818, C replaced by T.
Protein change: p.Thr273Ile; replaces threonine 273 with isoleucine.
Molecular consequence: missense variant. On other transcripts: 3 prime UTR variant (1).
Genome position (GRCh38, 1-based): chr13:77,000,710, C>T. VCF-style: chr13-77000710-C-T. GRCh37 (hg19) VCF-style: chr13-77574845-C-T.
Other names: c.*267C>T (NM_001366624.2); short protein forms T322I, T273I.
Identifiers: ClinVar variation 2083207 (VCV002083207.2), dbSNP rs2034345648, ClinGen allele CA388313504.
Genomic context (GRCh38, chr13:77,000,710, plus strand): 5'-AAACCAACTATACAAGAATATTTCTTTACAGTGGAGAACCTACTTATCTGGGAAATGAAA[C>T]ATCTGTTTTTGGGCCAACAGGAAACAAGACTCTTGGTTTAGCCATAAAAAGATTTTATTA-3'
Protein context (NP_006484.2, residues 263-283): SGEPTYLGNE[Thr273Ile]SVFGPTGNKT

ClinVar aggregate classification (germline): Uncertain significance. Review status: criteria provided, multiple submitters, no conflicts (2 of 4 stars). 2 submissions from 2 submitters: Uncertain significance (2). Last evaluated 2025-08-07.

Conditions:
Neuronal ceroid lipofuscinosis. Also called: Neuronal Ceroid Lipofuscinoses. Identifiers: Orphanet 216, Orphanet 79263, MedGen C0027877, MONDO:0016295. Disease mechanism: loss of function.

Allele frequency attached by ClinVar (database versions not stated): gnomAD exomes below 0.00001; TOPMed below 0.00001.

Submissions (2):

GeneDx
Classification: Uncertain significance. Last evaluated: 2025-08-07. Review status: criteria provided, single submitter. Criteria: GeneDx Variant Classification Process June 2021. Collection method: clinical testing. Allele origin: germline. Affected: yes.
Comment: Not observed at significant frequency in large population cohorts (gnomAD); In silico analysis supports that this missense variant has a deleterious effect on protein structure/function; Has not been previously published as pathogenic or benign to our knowledge

Labcorp Genetics (formerly Invitae), Labcorp
Classification: Uncertain significance for Neuronal ceroid lipofuscinosis. Last evaluated: 2022-04-11. Review status: criteria provided, single submitter. Criteria: Invitae Variant Classification Sherloc (09022015). Collection method: clinical testing. Allele origin: germline.
Comment: This sequence change replaces threonine, which is neutral and polar, with isoleucine, which is neutral and non-polar, at codon 322 of the CLN5 protein (p.Thr322Ile). This variant is not present in population databases (gnomAD no frequency). This variant has not been reported in the literature in individuals affected with CLN5-related conditions. Algorithms developed to predict the effect of missense changes on protein structure and function are either unavailable or do not agree on the potential impact of this missense change (SIFT: "Deleterious"; PolyPhen-2: "Probably Damaging"; Align-GVGD: "Class C0"). In summary, the available evidence is currently insufficient to determine the role of this variant in disease. Therefore, it has been classified as a Variant of Uncertain Significance.